The following is an entry in ClinVar:

ClinVar aggregate classification (germline): Uncertain significance (1 of 4 stars; one submission).

gnomAD v4.1: 24 of 1,614,068 alleles (0.0015%); highest among the groups gnomAD compares: South Asian, 0.0022%; no homozygotes.

Submission:

Labcorp Genetics (formerly Invitae), Labcorp
Classification: Uncertain significance. Last evaluated: 2024-11-18. Review status: criteria provided, single submitter. Criteria: Invitae Variant Classification Sherloc (09022015). Collection method: clinical testing. Allele origin: germline.
Comment: This sequence change replaces isoleucine, which is neutral and non-polar, with threonine, which is neutral and polar, at codon 538 of the CNOT1 protein (p.Ile538Thr). This variant is present in population databases (rs201410669, gnomAD 0.007%). This variant has not been reported in the literature in individuals affected with CNOT1-related conditions. An algorithm developed to predict the effect of missense changes on protein structure and function (PolyPhen-2) suggests that this variant is likely to be tolerated. In summary, the available evidence is currently insufficient to determine the role of this variant in disease. Therefore, it has been classified as a Variant of Uncertain Significance.

NM_016284.5(CNOT1):c.1613T>C (p.Ile538Thr)

Gene: CNOT1 (CCR4-NOT transcription complex subunit 1; minus strand). Cytogenetic location: 16q21.
Variant type: single nucleotide variant.
Coding change: c.1613T>C on transcript NM_016284.5 (MANE Select); coding-DNA position 1613, T replaced by C.
Protein change: p.Ile538Thr; replaces isoleucine 538 with threonine.
Molecular consequence: missense variant. On other transcripts: non-coding transcript variant (1).
Genome position (GRCh38, 1-based): chr16:58,576,554, A>G on the plus strand (T>C on the coding strand, the complement: CNOT1 is on the minus strand). VCF-style: chr16-58576554-A-G. GRCh37 (hg19) VCF-style: chr16-58610458-A-G.
Other names: c.1613T>C, p.Ile538Thr (NM_001265612.2, NM_206999.3); short protein forms I538T.
Identifiers: ClinVar variation 3700975 (VCV003700975.2).